The following is an entry in ClinVar:

ClinVar aggregate classification (germline): Uncertain significance (1 of 4 stars; one submission).

Allele frequency attached by ClinVar (database versions not stated): gnomAD exomes below 0.00001.
gnomAD v4.1: 2 of 1,614,252 alleles (0.00012%); highest among the groups gnomAD compares: Non-Finnish European, 0.00017%; no homozygotes.

Submission:

Labcorp Genetics (formerly Invitae), Labcorp
Classification: Uncertain significance. Last evaluated: 2022-05-10. Review status: criteria provided, single submitter. Criteria: Invitae Variant Classification Sherloc (09022015). Collection method: clinical testing. Allele origin: germline.
Comment: In summary, the available evidence is currently insufficient to determine the role of this variant in disease. Therefore, it has been classified as a Variant of Uncertain Significance. Algorithms developed to predict the effect of missense changes on protein structure and function are either unavailable or do not agree on the potential impact of this missense change (SIFT: "Not Available"; PolyPhen-2: "Benign"; Align-GVGD: "Not Available"). This variant has not been reported in the literature in individuals affected with CEP250-related conditions. This variant is not present in population databases (gnomAD no frequency). This sequence change replaces alanine, which is neutral and non-polar, with proline, which is neutral and non-polar, at codon 1431 of the CEP250 protein (p.Ala1431Pro).

NM_007186.6(CEP250):c.4291G>C (p.Ala1431Pro)

Gene: CEP250 (centrosomal protein 250; plus strand). Cytogenetic location: 20q11.22.
Variant type: single nucleotide variant.
Coding change: c.4291G>C on transcript NM_007186.6 (MANE Select); coding-DNA position 4291, G replaced by C.
Protein change: p.Ala1431Pro; replaces alanine 1431 with proline.
Molecular consequence: missense variant.
Genome position (GRCh38, 1-based): chr20:35,502,660, G>C. VCF-style: chr20-35502660-G-C. GRCh37 (hg19) VCF-style: chr20-34090488-G-C.
Other names: c.2395G>C, p.Ala799Pro (NM_001318219.1); short protein forms A1431P, A799P.
Identifiers: ClinVar variation 1959671 (VCV001959671.5), dbSNP rs2516228324, ClinGen allele CA408747870.